The following is an entry in ClinVar:

ClinVar aggregate classification (germline): Uncertain significance (1 of 4 stars; one submission).

Conditions:
Progressive familial heart block type IB (PFHB1B). Identifiers: Orphanet 871, MedGen C1970298, MONDO:0011474, OMIM 604559.

Submission:

Labcorp Genetics (formerly Invitae), Labcorp
Classification: Uncertain significance for Progressive familial heart block type IB. Last evaluated: 2024-08-13. Review status: criteria provided, single submitter. Criteria: Invitae Variant Classification Sherloc (09022015). Collection method: clinical testing. Allele origin: germline.
Comment: This sequence change replaces leucine, which is neutral and non-polar, with valine, which is neutral and non-polar, at codon 791 of the TRPM4 protein (p.Leu791Val). This variant is not present in population databases (gnomAD no frequency). This variant has not been reported in the literature in individuals affected with TRPM4-related conditions. An algorithm developed to predict the effect of missense changes on protein structure and function (PolyPhen-2) suggests that this variant is likely to be tolerated. In summary, the available evidence is currently insufficient to determine the role of this variant in disease. Therefore, it has been classified as a Variant of Uncertain Significance.

NM_017636.4(TRPM4):c.2371C>G (p.Leu791Val)

Gene: TRPM4 (transient receptor potential cation channel subfamily M member 4; plus strand). Cytogenetic location: 19q13.33.
Variant type: single nucleotide variant.
Coding change: c.2371C>G on transcript NM_017636.4 (MANE Select); coding-DNA position 2371, C replaced by G.
Protein change: p.Leu791Val; replaces leucine 791 with valine.
Molecular consequence: missense variant. On other transcripts: intron variant (1).
Genome position (GRCh38, 1-based): chr19:49,196,600, C>G. VCF-style: chr19-49196600-C-G. GRCh37 (hg19) VCF-style: chr19-49699857-C-G.
Other names: c.2026C>G, p.Leu676Val (NM_001321281.2); c.763C>G, p.Leu255Val (NM_001321282.2); c.1849C>G, p.Leu617Val (NM_001321283.2); c.1309C>G, p.Leu437Val (NM_001321285.2); c.2211-3700C>G (NM_001195227.2); short protein forms L437V, L255V, L617V, L676V, L791V.
Identifiers: ClinVar variation 3632983 (VCV003632983.2).